The following is an entry in ClinVar:

NM_004535.3(MYT1):c.873A>G (p.Glu291=)

Gene: MYT1 (myelin transcription factor 1; plus strand). Cytogenetic location: 20q13.33.
Variant type: single nucleotide variant.
Coding change: c.873A>G on transcript NM_004535.3 (MANE Select); coding-DNA position 873, A replaced by G.
Protein change: p.Glu291=; no amino-acid change (glutamic acid 291 retained).
Molecular consequence: synonymous variant.
Genome position (GRCh38, 1-based): chr20:64,208,069, A>G. VCF-style: chr20-64208069-A-G. GRCh37 (hg19) VCF-style: chr20-62839422-A-G.
Identifiers: ClinVar variation 2652568 (VCV002652568.24), dbSNP rs564147735, ClinGen allele CA9974719.
Genomic context (GRCh38, chr20:64,208,069, plus strand): 5'-GGAGGAGGATGAAGAAGAGGAAGAGGAAGAGGAGGAGGAAGAGGAAGAGGAGGAGGAGGA[A>G]GAGGAAGAGGAGGAGGAAGAGGAAGAGGAAGAGGAGGAGGAGGAGGCAGCTCCTGATGTG-3'
Protein context (NP_004526.1, residues 281-301): EEEEEEEEEE[Glu291=]EEEEEEEEEE

ClinVar aggregate classification (germline): Likely benign (1 of 4 stars; one submission).

Allele frequency attached by ClinVar (database versions not stated): gnomAD exomes 0.00003; ExAC 0.00004; gnomAD 0.00004; 1000 Genomes Project 0.00120.
gnomAD v4.1: 44 of 1,597,428 alleles (0.0028%); highest among the groups gnomAD compares: East Asian, 0.063%; no homozygotes.

Submission:

CeGaT Center for Human Genetics Tuebingen
Classification: Likely benign. Last evaluated: 2022-03-01. Review status: criteria provided, single submitter. Criteria: CeGaT Center For Human Genetics Tuebingen Variant Classification Criteria Version 2. Collection method: clinical testing. Allele origin: germline. Affected: yes. Observed: 1 variant allele.
Comment: MYT1: BP4, BP7